The following is an entry in ClinVar:

ClinVar aggregate classification (germline): Pathogenic (1 of 4 stars; one submission).

Conditions:
Cardiovascular phenotype. Identifiers: MedGen CN230736.
Hereditary cancer-predisposing syndrome. Also called: Hereditary Cancer Syndrome; Hereditary neoplastic syndrome; Neoplastic Syndromes, Hereditary; Tumor predisposition. Identifiers: Orphanet 140162, MedGen C0027672, MeSH D009386, MONDO:0015356.

Submission:

Ambry Genetics
Classification: Pathogenic for Cardiovascular phenotype; Hereditary cancer-predisposing syndrome. Last evaluated: 2021-05-03. Review status: criteria provided, single submitter. Criteria: Ambry Variant Classification Scheme 2023. Collection method: clinical testing. Allele origin: germline.
Comment: The c.4630_4631insAA pathogenic mutation, located in coding exon 34 of the NF1 gene, results from an insertion of two nucleotides at position 4630, causing a translational frameshift with a predicted alternate stop codon (p.T1544Kfs*10). This alteration is expected to result in loss of function by premature protein truncation or nonsense-mediated mRNA decay. As such, this alteration is interpreted as a disease-causing mutation.

NM_001042492.3(NF1):c.4693_4694insAA (p.Thr1565fs)

Gene: NF1 (neurofibromin 1; plus strand). Cytogenetic location: 17q11.2.
Variant type: Insertion.
Coding change: c.4693_4694insAA on transcript NM_001042492.3 (MANE Select); coding-DNA positions 4693 to 4694, AA inserted.
Protein change: p.Thr1565fs; shifts the reading frame from threonine 1565.
Molecular consequence: frameshift variant.
Genome position: GRCh38 VCF-style: chr17-31261825-T-TAA. GRCh37 (hg19) VCF-style: chr17-29588843-T-TAA.
Other names: c.4630_4631insAA, p.Thr1544Lysfs (NM_000267.4); short protein forms T1565fs, T1544fs.
Identifiers: ClinVar variation 1742041 (VCV001742041.2), dbSNP rs2508430596, ClinGen allele CA2580093308.